The following is an entry in ClinVar:

ClinVar aggregate classification (germline): Pathogenic (1 of 4 stars; one submission).

Conditions:
Nemaline myopathy 2 (NEM2). Also called: Nemaline myopathy 2, autosomal recessive. Identifiers: MedGen C1850569, MONDO:0009725, OMIM 256030.

Submission:

Myriad Genetics, Inc.
Classification: Pathogenic for Nemaline myopathy 2. Last evaluated: 2025-10-27. Review status: criteria provided, single submitter. Criteria: Myriad Autosomal Dominant, Autosomal Recessive and X-Linked Classification Criteria (2023). Collection method: clinical testing. Allele origin: unknown.
Comment: NM_001271208.1(NEB):c.23993_23994insTG(E7998Dfs*22) is a frameshift variant classified as pathogenic in the context of NEB-related nemaline myopathy. E7998Dfs*22 has not been observed in cases with relevant disease. Relevant functional assessments of this variant are not available in the literature. E7998Dfs*22 has not been observed in referenced population frequency databases. In summary, NM_001271208.1(NEB):c.23993_23994insTG(E7998Dfs*22) is a frameshift variant in a gene where loss of function is a known mechanism of disease and is predicted to disrupt protein function. Please note: this variant was assessed in the context of healthy population screening.

NM_001164508.2(NEB):c.23888_23889insTG (p.Glu7963fs)

Genes: NEB (nebulin; minus strand), RIF1 (replication timing regulatory factor 1; plus strand). Cytogenetic location: 2q23.3.
Variant type: Insertion.
Coding change: c.23888_23889insTG on transcript NM_001164508.2 (MANE Select); coding-DNA positions 23888 to 23889, TG inserted.
Protein change: p.Glu7963fs; shifts the reading frame from glutamic acid 7963.
Molecular consequence: frameshift variant.
Genome position: GRCh38 VCF-style: chr2-151502832-C-CCA. GRCh37 (hg19) VCF-style: chr2-152359346-C-CCA.
Other names: c.23888_23889insTG, p.Glu7963fs (NM_001164507.2); c.23993_23994insTG, p.Glu7998fs (NM_001271208.2); c.18785_18786insTG, p.Glu6262fs (NM_004543.5); short protein forms E7998fs, E7963fs, E6262fs.
Identifiers: ClinVar variation 5004249 (VCV005004249.1).
Genomic context (GRCh38, chr2:151,502,832, plus strand): 5'-TTTTGGCCCCCTAAGAAATACCGAGCTAAAGTTCTCTTGATTGCGTTTGACTCTCTCCAT[C>CCA]TCTGGAGTGATAGGTGTTGGGATTCCTTTCCCCAAATTTTCTTTGTACAAAACCTGTGAG-3'